The following is an entry in ClinVar:

ClinVar aggregate classification (germline): Uncertain significance (1 of 4 stars; one submission).

Conditions:
Hereditary spastic paraplegia 11. Also called: SPASTIC PARAPLEGIA, AUTOSOMAL RECESSIVE, COMPLICATED, WITH THIN CORPUS CALLOSUM; SPASTIC PARAPLEGIA, AUTOSOMAL RECESSIVE, WITH MENTAL IMPAIRMENT AND THIN CORPUS CALLOSUM; Spastic paraplegia, mental retardation and thin corpus callosum; Spastic Paraplegia 11; Nakamura Osame syndrome; Autosomal recessive hereditary spastic paraplegia, mental impairment, and thin corpus callosum. Identifiers: Orphanet 2822, MedGen C1858479, MONDO:0011445, OMIM 604360.

Submission:

Labcorp Genetics (formerly Invitae), Labcorp
Classification: Uncertain significance for Hereditary spastic paraplegia 11. Last evaluated: 2022-07-12. Review status: criteria provided, single submitter. Criteria: Invitae Variant Classification Sherloc (09022015). Collection method: clinical testing. Allele origin: germline.
Comment: This sequence change replaces valine, which is neutral and non-polar, with isoleucine, which is neutral and non-polar, at codon 1897 of the SPG11 protein (p.Val1897Ile). This variant is not present in population databases (gnomAD no frequency). This variant has not been reported in the literature in individuals affected with SPG11-related conditions. Algorithms developed to predict the effect of missense changes on protein structure and function output the following: SIFT: "Tolerated"; PolyPhen-2: "Possibly Damaging"; Align-GVGD: "Class C0". The isoleucine amino acid residue is found in multiple mammalian species, which suggests that this missense change does not adversely affect protein function. In summary, the available evidence is currently insufficient to determine the role of this variant in disease. Therefore, it has been classified as a Variant of Uncertain Significance.

NM_025137.4(SPG11):c.5689G>A (p.Val1897Ile)

Gene: SPG11 (SPG11 vesicle trafficking associated, spatacsin; minus strand). Cytogenetic location: 15q21.1.
Variant type: single nucleotide variant.
Coding change: c.5689G>A on transcript NM_025137.4 (MANE Select); coding-DNA position 5689, G replaced by A.
Protein change: p.Val1897Ile; replaces valine 1897 with isoleucine.
Molecular consequence: missense variant.
Genome position (GRCh38, 1-based): chr15:44,583,991, C>T on the plus strand (G>A on the coding strand, the complement: SPG11 is on the minus strand). VCF-style: chr15-44583991-C-T. GRCh37 (hg19) VCF-style: chr15-44876189-C-T.
Other names: c.5689G>A, p.Val1897Ile (NM_001160227.2); c.5545G>A, p.Val1849Ile (NM_001411132.1); short protein forms V1849I, V1897I.
Identifiers: ClinVar variation 1907257 (VCV001907257.2), dbSNP rs2082705999, ClinGen allele CA392221662.